The following is an entry in ClinVar:

ClinVar aggregate classification (germline): Uncertain significance (1 of 4 stars; one submission).

gnomAD v4.1: 36 of 1,599,518 alleles (0.0023%); highest among the groups gnomAD compares: Non-Finnish European, 0.003%; no homozygotes.

Submission:

Ambry Genetics
Classification: Uncertain significance. Last evaluated: 2022-02-21. Review status: criteria provided, single submitter. Criteria: Ambry Variant Classification Scheme 2023. Collection method: clinical testing. Allele origin: germline.
Comment: The p.N2213H variant (also known as c.6637A>C), located in coding exon 50 of the PRKDC gene, results from an A to C substitution at nucleotide position 6637. The asparagine at codon 2213 is replaced by histidine, an amino acid with similar properties. This amino acid position is conserved. In addition, the in silico prediction for this alteration is inconclusive. Since supporting evidence is limited at this time, the clinical significance of this alteration remains unclear.

NM_006904.7(PRKDC):c.6637A>C (p.Asn2213His)

Gene: PRKDC (protein kinase, DNA-activated, catalytic subunit; minus strand). Cytogenetic location: 8q11.21.
Variant type: single nucleotide variant.
Coding change: c.6637A>C on transcript NM_006904.7 (MANE Select); coding-DNA position 6637, A replaced by C.
Protein change: p.Asn2213His; replaces asparagine 2213 with histidine.
Molecular consequence: missense variant.
Genome position (GRCh38, 1-based): chr8:47,855,346, T>G on the plus strand (A>C on the coding strand, the complement: PRKDC is on the minus strand). VCF-style: chr8-47855346-T-G. GRCh37 (hg19) VCF-style: chr8-48767907-T-G.
Other names: c.6637A>C, p.Asn2213His (NM_001081640.2); short protein forms N2213H.
Identifiers: ClinVar variation 1754593 (VCV001754593.2), dbSNP rs1439955320, ClinGen allele CA371159687.
Genomic context (GRCh38, chr8:47,855,346, plus strand): 5'-GTCTAAACACAGCTCTTTTTGGATGAAAGACATGTTTCATTAGGAAATTAAGCAATCGAT[T>G]TGCTAACACTTCATCTTTAGGGACCCCCTGAAAAGGTACAGAAATTCTGTATTAATATGC-3'
Protein context (NP_008835.5, residues 2203-2223): TGVPKDEVLA[Asn2213His]RLLNFLMKHV